The following is an entry in ClinVar:

ClinVar aggregate classification (germline): Uncertain significance. Review status: criteria provided, multiple submitters, no conflicts (2 of 4 stars). 2 submissions from 2 submitters: Uncertain significance (2). Last evaluated 2024-11-09.

Conditions:
Inborn genetic diseases. Identifiers: MedGen C0950123, MeSH D030342.

Allele frequency attached by ClinVar (database versions not stated): ExAC 0.00001; gnomAD 0.00001; gnomAD exomes 0.00001 and 0.00003; TOPMed 0.00002.
gnomAD v4.1: 38 of 1,613,776 alleles (0.0024%); highest among the groups gnomAD compares: Non-Finnish European, 0.0032%; no homozygotes.

Submissions (2):

Ambry Genetics
Classification: Uncertain significance for Inborn genetic diseases. Last evaluated: 2024-11-09. Review status: criteria provided, single submitter. Criteria: Ambry Variant Classification Scheme 2023. Collection method: clinical testing. Allele origin: germline.

Labcorp Genetics (formerly Invitae), Labcorp
Classification: Uncertain significance. Last evaluated: 2023-07-17. Review status: criteria provided, single submitter. Criteria: Invitae Variant Classification Sherloc (09022015). Collection method: clinical testing. Allele origin: germline.
Comment: In summary, the available evidence is currently insufficient to determine the role of this variant in disease. Therefore, it has been classified as a Variant of Uncertain Significance. Advanced modeling of protein sequence and biophysical properties (such as structural, functional, and spatial information, amino acid conservation, physicochemical variation, residue mobility, and thermodynamic stability) performed at Invitae indicates that this missense variant is expected to disrupt SLC26A3 protein function. ClinVar contains an entry for this variant (Variation ID: 1361573). This variant has not been reported in the literature in individuals affected with SLC26A3-related conditions. This variant is present in population databases (rs745692539, gnomAD 0.002%). This sequence change replaces isoleucine, which is neutral and non-polar, with threonine, which is neutral and polar, at codon 514 of the SLC26A3 protein (p.Ile514Thr).

NM_000111.3(SLC26A3):c.1541T>C (p.Ile514Thr)

Gene: SLC26A3 (solute carrier family 26 member 3; minus strand). Cytogenetic location: 7q22.3.
Variant type: single nucleotide variant.
Coding change: c.1541T>C on transcript NM_000111.3 (MANE Select); coding-DNA position 1541, T replaced by C.
Protein change: p.Ile514Thr; replaces isoleucine 514 with threonine.
Molecular consequence: missense variant.
Genome position (GRCh38, 1-based): chr7:107,776,680, A>G on the plus strand (T>C on the coding strand, the complement: SLC26A3 is on the minus strand). VCF-style: chr7-107776680-A-G. GRCh37 (hg19) VCF-style: chr7-107417125-A-G.
Other names: c.1541T>C (NM_000111.2); short protein forms I514T.
Identifiers: ClinVar variation 1361573 (VCV001361573.9), dbSNP rs745692539, ClinGen allele CA4433791.